The following is an entry in ClinVar:

NM_012144.4(DNAI1):c.2033C>T (p.Pro678Leu)

Gene: DNAI1 (dynein axonemal intermediate chain 1; plus strand). Cytogenetic location: 9p13.3.
Variant type: single nucleotide variant.
Coding change: c.2033C>T on transcript NM_012144.4 (MANE Select); coding-DNA position 2033, C replaced by T.
Protein change: p.Pro678Leu; replaces proline 678 with leucine.
Molecular consequence: missense variant.
Genome position (GRCh38, 1-based): chr9:34,520,689, C>T. VCF-style: chr9-34520689-C-T. GRCh37 (hg19) VCF-style: chr9-34520687-C-T.
Other names: p.Pro678Leu; c.2045C>T, p.Pro682Leu (NM_001281428.2); short protein forms P678L, P682L.
Identifiers: ClinVar variation 2199439 (VCV002199439.1), dbSNP rs759171136, ClinGen allele CA5034614.

ClinVar aggregate classification (germline): Uncertain significance. Review status: criteria provided, multiple submitters, no conflicts (2 of 4 stars). 2 submissions from 2 submitters: Uncertain significance (2). Last evaluated 2025-10-18.

Conditions:
Primary ciliary dyskinesia. Also called: Ciliary dyskinesia. Identifiers: Orphanet 244, MedGen C0008780, MONDO:0016575, HP:0012265.

Allele frequency attached by ClinVar (database versions not stated): gnomAD exomes 0.00001; ExAC 0.00005; gnomAD 0.00006; TOPMed 0.00006.
gnomAD v4.1: 17 of 1,551,502 alleles (0.0011%); highest among the groups gnomAD compares: African/African-American, 0.016%; no homozygotes.

Submissions (2):

Mayo Clinic Laboratories, Mayo Clinic
Classification: Uncertain significance. Last evaluated: 2025-10-18. Review status: criteria provided, single submitter. Criteria: ACMG Guidelines, 2015. Collection method: clinical testing. Allele origin: germline. Observed: 1 variant allele.

Labcorp Genetics (formerly Invitae), Labcorp
Classification: Uncertain significance for Primary ciliary dyskinesia. Last evaluated: 2022-03-28. Review status: criteria provided, single submitter. Criteria: Invitae Variant Classification Sherloc (09022015). Collection method: clinical testing. Allele origin: germline.
Comment: This sequence change replaces proline, which is neutral and non-polar, with leucine, which is neutral and non-polar, at codon 678 of the DNAI1 protein (p.Pro678Leu). This variant is present in population databases (rs759171136, gnomAD 0.01%). This variant has not been reported in the literature in individuals affected with DNAI1-related conditions. Algorithms developed to predict the effect of missense changes on protein structure and function (SIFT, PolyPhen-2, Align-GVGD) all suggest that this variant is likely to be tolerated. In summary, the available evidence is currently insufficient to determine the role of this variant in disease. Therefore, it has been classified as a Variant of Uncertain Significance.